The following is an entry in ClinVar:

ClinVar aggregate classification (germline): Uncertain significance (1 of 4 stars; one submission).

Conditions:
Hereditary sensory neuropathy-deafness-dementia syndrome. Also called: HSN IE; Hereditary sensory neuropathy type IE; NEUROPATHY, HEREDITARY SENSORY, WITH HEARING LOSS AND DEMENTIA; Hereditary Sensory and Autonomic Neuropathy Type 1E (HSAN1E). Identifiers: Orphanet 456318, MedGen C3279885, MONDO:0013584, OMIM 614116.

Submission:

Labcorp Genetics (formerly Invitae), Labcorp
Classification: Uncertain significance for Hereditary sensory neuropathy-deafness-dementia syndrome. Last evaluated: 2020-09-17. Review status: criteria provided, single submitter. Criteria: Invitae Variant Classification Sherloc (09022015). Collection method: clinical testing. Allele origin: germline.
Comment: In summary, the available evidence is currently insufficient to determine the role of this variant in disease. Therefore, it has been classified as a Variant of Uncertain Significance. Experimental studies and prediction algorithms are not available or were not evaluated, and the functional significance of this variant is currently unknown. This variant has not been reported in the literature in individuals with DNMT1-related conditions. This variant is not present in population databases (ExAC no frequency). This variant, c.4208_4210del, results in the deletion of 1 amino acid(s) of the DNMT1 protein (p.Ser1403del), but otherwise preserves the integrity of the reading frame.

NM_001130823.3(DNMT1):c.4208_4210del (p.Ser1403del)

Gene: DNMT1 (DNA methyltransferase 1; minus strand). Cytogenetic location: 19p13.2.
Variant type: Deletion.
Coding change: c.4208_4210del on transcript NM_001130823.3 (MANE Select); coding-DNA positions 4208 to 4210, 3 bases deleted (CCT; older notation c.4208_4210delCCT).
Protein change: p.Ser1403del; deletes serine 1403.
Molecular consequence: inframe deletion.
Genome position (GRCh38, 1-based): chr19:10,137,915-10,137,917, AGG deleted on the plus strand (CCT on the coding strand, the reverse complement: DNMT1 is on the minus strand); deleting any 3 consecutive bases within chr19:10,137,915-10,137,919 gives the same sequence; the c. name uses the placement nearest the transcript's 3' end. VCF-style (leftmost placement, unchanged base first): chr19-10137914-TAGG-T. GRCh37 (hg19) VCF-style: chr19-10248590-TAGG-T.
Other names: c.4160_4162del, p.Ser1387del (NM_001318730.2, NM_001379.4); c.3845_3847del, p.Ser1282del (NM_001318731.2); short protein forms S1282del, S1387del, S1403del.
Identifiers: ClinVar variation 1021617 (VCV001021617.8), dbSNP rs2089524256, ClinGen allele CA2322281743.